The following is an entry in ClinVar:

ClinVar aggregate classification (germline): Conflicting classifications of pathogenicity. Review status: criteria provided, conflicting classifications (1 of 4 stars). 2 submissions from 2 submitters: Uncertain significance (1); Likely benign (1). Last evaluated 2024-12-18.

Conditions:
Inborn genetic diseases. Identifiers: MedGen C0950123, MeSH D030342.
Hereditary spastic paraplegia 31. Also called: SPASTIC PARAPLEGIA 31, AUTOSOMAL DOMINANT. Identifiers: Orphanet 101011, MedGen C1853247, MONDO:0012453, OMIM 610250.

Allele frequency attached by ClinVar (database versions not stated): gnomAD exomes 0.00002 and 0.00005; TOPMed 0.00002; gnomAD 0.00003; ExAC 0.00007.
gnomAD v4.1: 34 of 1,613,964 alleles (0.0021%); highest among the groups gnomAD compares: South Asian, 0.025%; no homozygotes.

Submissions (2):

Labcorp Genetics (formerly Invitae), Labcorp
Classification: Uncertain significance for Hereditary spastic paraplegia 31. Last evaluated: 2024-12-18. Review status: criteria provided, single submitter. Criteria: Invitae Variant Classification Sherloc (09022015). Collection method: clinical testing. Allele origin: germline.
Comment: This sequence change replaces arginine, which is basic and polar, with glutamine, which is neutral and polar, at codon 124 of the REEP1 protein (p.Arg124Gln). This variant is present in population databases (rs757087677, gnomAD 0.04%), and has an allele count higher than expected for a pathogenic variant. This variant has not been reported in the literature in individuals affected with REEP1-related conditions. ClinVar contains an entry for this variant (Variation ID: 578547). An algorithm developed to predict the effect of missense changes on protein structure and function (PolyPhen-2) suggests that this variant is likely to be tolerated. In summary, the available evidence is currently insufficient to determine the role of this variant in disease. Therefore, it has been classified as a Variant of Uncertain Significance.

Ambry Genetics
Classification: Likely benign for Inborn genetic diseases. Last evaluated: 2021-07-12. Review status: criteria provided, single submitter. Criteria: Ambry Variant Classification Scheme 2023. Collection method: clinical testing. Allele origin: germline.

NM_001371279.1(REEP1):c.371G>A (p.Arg124Gln)

Gene: REEP1 (receptor accessory protein 1; minus strand). Cytogenetic location: 2p11.2.
Variant type: single nucleotide variant.
Coding change: c.371G>A on transcript NM_001371279.1 (MANE Select); coding-DNA position 371, G replaced by A.
Protein change: p.Arg124Gln; replaces arginine 124 with glutamine.
Molecular consequence: missense variant. On other transcripts: intron variant (1).
Genome position (GRCh38, 1-based): chr2:86,252,003, C>T on the plus strand (G>A on the coding strand, the complement: REEP1 is on the minus strand). VCF-style: chr2-86252003-C-T. GRCh37 (hg19) VCF-style: chr2-86479126-C-T.
Other names: c.392G>A, p.Arg131Gln (NM_001164730.2); c.290G>A, p.Arg97Gln (NM_001164731.2); c.371G>A, p.Arg124Gln (NM_001371280.1, NM_022912.3); c.182+11962G>A (NM_001164732.2); short protein forms R124Q, R131Q, R97Q.
Identifiers: ClinVar variation 578547 (VCV000578547.8), dbSNP rs757087677, ClinGen allele CA1748764.